The following is an entry in ClinVar:

NM_005560.6(LAMA5):c.3265A>T (p.Thr1089Ser)

Gene: LAMA5 (laminin subunit alpha 5; minus strand). Cytogenetic location: 20q13.33.
Variant type: single nucleotide variant.
Coding change: c.3265A>T on transcript NM_005560.6 (MANE Select); coding-DNA position 3265, A replaced by T.
Protein change: p.Thr1089Ser; replaces threonine 1089 with serine.
Molecular consequence: missense variant.
Genome position (GRCh38, 1-based): chr20:62,333,107, T>A on the plus strand (A>T on the coding strand, the complement: LAMA5 is on the minus strand). VCF-style: chr20-62333107-T-A. GRCh37 (hg19) VCF-style: chr20-60908163-T-A.
Other names: short protein forms T1089S.
Identifiers: ClinVar variation 3626628 (VCV003626628.2).

ClinVar aggregate classification (germline): Uncertain significance (1 of 4 stars; one submission).

gnomAD v4.1: 95 of 1,506,126 alleles (0.0063%); highest among the groups gnomAD compares: South Asian, 0.12%; no homozygotes.

Submission:

Labcorp Genetics (formerly Invitae), Labcorp
Classification: Uncertain significance. Last evaluated: 2025-10-03. Review status: criteria provided, single submitter. Criteria: Invitae Variant Classification Sherloc (09022015). Collection method: clinical testing. Allele origin: germline.
Comment: This sequence change replaces threonine, which is neutral and polar, with serine, which is neutral and polar, at codon 1089 of the LAMA5 protein (p.Thr1089Ser). This variant is present in population databases (rs748766155, gnomAD 0.2%). This variant has not been reported in the literature in individuals affected with LAMA5-related conditions. ClinVar contains an entry for this variant (Variation ID: 3626628). An algorithm developed to predict the effect of missense changes on protein structure and function (PolyPhen-2) suggests that this variant is likely to be tolerated. In summary, the available evidence is currently insufficient to determine the role of this variant in disease. Therefore, it has been classified as a Variant of Uncertain Significance.